The following is an entry in ClinVar:

ClinVar aggregate classification (germline): Uncertain significance (1 of 4 stars; one submission).

Submission:

ISCA Site 6
Classification: Uncertain significance. Last evaluated: 2011-08-12. Review status: criteria provided, single submitter. Criteria: Kaminsky et al. (Genet Med. 2011). Collection method: clinical testing. Allele origin: unknown. Affected: yes. Observed: 1 variant allele.
Comment: Copy number variation identified through the course of routine clinical cytogenomic testing in postnatal populations. Clinical assertions have been curated as described in Kaminsky et al. 2011.

GRCh38/hg38 15q11.2(chr15:22484473-23066575)x1

Genes: CYFIP1 (cytoplasmic FMR1 interacting protein 1; minus strand), NIPA1 (NIPA magnesium transporter 1; plus strand), NIPA2 (NIPA magnesium transporter 2; plus strand), TUBGCP5 (tubulin gamma complex component 5; minus strand), LOC112272575 (Sharpr-MPRA regulatory region 8478; plus strand) and 15 more. Cytogenetic location: 15q11.2.
Variant type: copy number loss.
Change: copy number 1 (one copy instead of two) of chr15:22,484,473-23,066,575 (582.1 kb, GRCh38 coordinates, 1-based), cytogenetic band 15q11.2.
Identifiers: ClinVar variation 57534 (VCV000057534.2).